The following is an entry in ClinVar:

ClinVar aggregate classification (germline): Likely benign. Review status: criteria provided, multiple submitters, no conflicts (2 of 4 stars). 2 submissions from 2 submitters: Likely benign (2). Last evaluated 2025-11-04.

Submissions (2):

Labcorp Genetics (formerly Invitae), Labcorp
Classification: Likely benign. Last evaluated: 2025-11-04. Review status: criteria provided, single submitter. Criteria: Invitae Variant Classification Sherloc (09022015). Collection method: clinical testing. Allele origin: germline.

CeGaT Center for Human Genetics Tuebingen
Classification: Likely benign. Last evaluated: 2025-06-01. Review status: criteria provided, single submitter. Criteria: CeGaT Center For Human Genetics Tuebingen Variant Classification Criteria Version 2. Collection method: clinical testing. Allele origin: germline. Affected: yes. Observed: 1 variant allele.
Comment: GFER: BP4, BP7

NM_005262.3(GFER):c.171C>T (p.Ser57=)

Genes: GFER (growth factor, augmenter of liver regeneration; plus strand), LOC130058203 (ATAC-STARR-seq lymphoblastoid silent region 7014; plus strand). Cytogenetic location: 16p13.3.
Variant type: single nucleotide variant.
Coding change: c.171C>T on transcript NM_005262.3 (MANE Select); coding-DNA position 171, C replaced by T.
Protein change: p.Ser57=; no amino-acid change (serine 57 retained).
Molecular consequence: synonymous variant.
Genome position (GRCh38, 1-based): chr16:1,984,389, C>T. VCF-style: chr16-1984389-C-T. GRCh37 (hg19) VCF-style: chr16-2034390-C-T.
Identifiers: ClinVar variation 3604649 (VCV003604649.10).
Genomic context (GRCh38, chr16:1,984,389, plus strand): 5'-GGGCGCGGGGCGGAGAGACGCGGCCGCCTCGGCCTCGACGCCAGCCCAGGCGCCGACCTC[C>T]GATTCTCCTGTCGCCGAGGACGCCTCCCGGAGGCGGCCGTGCCGGGCCTGCGTCGACTTC-3'
Protein context (NP_005253.3, residues 47-67): SASTPAQAPT[Ser57=]DSPVAEDASR